The following is an entry in ClinVar:

NM_001003694.2(BRPF1):c.2339T>A (p.Leu780Gln)

Gene: BRPF1 (bromodomain and PHD finger containing 1; plus strand). Cytogenetic location: 3p25.3.
Variant type: single nucleotide variant.
Coding change: c.2339T>A on transcript NM_001003694.2 (MANE Select); coding-DNA position 2339, T replaced by A.
Protein change: p.Leu780Gln; replaces leucine 780 with glutamine.
Molecular consequence: missense variant. On other transcripts: non-coding transcript variant (1).
Genome position (GRCh38, 1-based): chr3:9,743,605, T>A. VCF-style: chr3-9743605-T-A. GRCh37 (hg19) VCF-style: chr3-9785289-T-A.
Other names: c.2321T>A, p.Leu774Gln (NM_001319049.2, NM_004634.3); c.2318T>A, p.Leu773Gln (NM_001319050.2); short protein forms L773Q, L774Q, L780Q.
Identifiers: ClinVar variation 1028904 (VCV001028904.3), dbSNP rs2077069157, ClinGen allele CA351696961.

ClinVar aggregate classification (germline): Uncertain significance. Review status: criteria provided, multiple submitters, no conflicts (2 of 4 stars). 2 submissions from 2 submitters: Uncertain significance (2). Last evaluated 2025-06-27.

Conditions:
Intellectual developmental disorder with dysmorphic facies and ptosis (IDDDFP). Identifiers: Orphanet 698090, MedGen C4310617, MONDO:0015022, OMIM 617333.
BRPF1-related disorder. Also called: BRPF1-related condition.

Allele frequency attached by ClinVar (database versions not stated): gnomAD exomes below 0.00001.
gnomAD v4.1: 1 of 1,613,158 alleles (0.000062%); highest among the groups gnomAD compares: East Asian, 0.0022%; no homozygotes.

Submissions (2):

PreventionGenetics, part of Exact Sciences
Classification: Uncertain significance for BRPF1-related condition. Last evaluated: 2025-06-27. Review status: criteria provided, single submitter. Criteria: ACMG Guidelines, 2015. Collection method: clinical testing. Allele origin: germline.
Comment: The BRPF1 c.2339T>A variant is predicted to result in the amino acid substitution p.Leu780Gln. To our knowledge, this variant has not been reported in the literature or in a large population database (gnomAD), indicating this variant is rare. At this time, the clinical significance of this variant is uncertain due to the absence of conclusive functional and genetic evidence.

Baylor Genetics
Classification: Uncertain significance for Intellectual developmental disorder with dysmorphic facies and ptosis. Last evaluated: 2022-12-06. Review status: criteria provided, single submitter. Criteria: ACMG Guidelines, 2015. Collection method: clinical testing. Allele origin: unknown.